The following is an entry in ClinVar:

ClinVar aggregate classification (germline): Uncertain significance (1 of 4 stars; one submission).

Conditions:
Autosomal dominant limb-girdle muscular dystrophy type 1D (DNAJB6) (LGMDD1). Also called: MUSCULAR DYSTROPHY, LIMB-GIRDLE, TYPE 1D; MUSCULAR DYSTROPHY, AUTOSOMAL DOMINANT, WITH RIMMED VACUOLES; Autosomal dominant limb-girdle muscular dystrophy type 1D; Muscular dystrophy, limb-girdle, autosomal dominant 1. Identifiers: Orphanet 34516, MedGen C4721885, MONDO:0021018, OMIM 603511.

Allele frequency attached by ClinVar (database versions not stated): ExAC 0.00001; gnomAD exomes 0.00001.
gnomAD v4.1: 3 of 1,612,154 alleles (0.00019%); highest among the groups gnomAD compares: Admixed American, 0.005%; no homozygotes.

Submission:

Labcorp Genetics (formerly Invitae), Labcorp
Classification: Uncertain significance for Autosomal dominant limb-girdle muscular dystrophy type 1D (DNAJB6). Last evaluated: 2026-01-11. Review status: criteria provided, single submitter. Criteria: Invitae Variant Classification Sherloc (09022015). Collection method: clinical testing. Allele origin: germline.
Comment: This sequence change falls in intron 7 of the DNAJB6 gene. It does not directly change the encoded amino acid sequence of the DNAJB6 protein. It affects a nucleotide within the consensus splice site. This variant is present in population databases (rs755805131, gnomAD 0.006%). This variant has not been reported in the literature in individuals affected with DNAJB6-related conditions. ClinVar contains an entry for this variant (Variation ID: 471341). Variants that disrupt the consensus splice site are a relatively common cause of aberrant splicing (PMID: 17576681, 9536098). Algorithms developed to predict the effect of sequence changes on RNA splicing suggest that this variant is not likely to affect RNA splicing. In summary, the available evidence is currently insufficient to determine the role of this variant in disease. Therefore, it has been classified as a Variant of Uncertain Significance.

Literature cited by the submitters: PubMed 17576681; PubMed 9536098.

NM_058246.4(DNAJB6):c.620+6G>T

Gene: DNAJB6 (DnaJ heat shock protein family (Hsp40) member B6; plus strand). Cytogenetic location: 7q36.3.
Variant type: single nucleotide variant.
Coding change: c.620+6G>T on transcript NM_058246.4 (MANE Select); 6 bases into the intron after coding-DNA position 620, G replaced by T.
Molecular consequence: intron variant.
Genome position (GRCh38, 1-based): chr7:157,385,014, G>T. VCF-style: chr7-157385014-G-T. GRCh37 (hg19) VCF-style: chr7-157177708-G-T.
Other names: c.346+17531G>T (NM_001363676.1); c.620+6G>T (NM_005494.3).
Identifiers: ClinVar variation 471341 (VCV000471341.8), dbSNP rs755805131, ClinGen allele CA4590568.
Genomic context (GRCh38, chr7:157,385,014, plus strand): 5'-AATCGATATCAACTTCAACTAAAATGGTTAATGGCAGAAAAATCACTACAAAGAGGTACT[G>T]TGGTATTCTGCATTTTATATTTTTAGTAAGCAGGCGTAACGTTTCACTGGTGCCATGTTG-3'